The following is an entry in ClinVar:

ClinVar aggregate classification (germline): Uncertain significance. Review status: criteria provided, multiple submitters, no conflicts (2 of 4 stars). 2 submissions from 2 submitters: Uncertain significance (2). Last evaluated 2026-06-17.

Conditions:
SIM1-related disorder. Also called: SIM1-related condition; SIM1-related disorders.

gnomAD v4.1: 4 of 1,614,124 alleles (0.00025%); highest among the groups gnomAD compares: South Asian, 0.0011%; no homozygotes.

Submissions (2):

PreventionGenetics, part of Exact Sciences
Classification: Uncertain significance for SIM1-related condition. Last evaluated: 2026-06-17. Review status: criteria provided, single submitter. Criteria: ACMG Guidelines, 2015. Collection method: clinical testing. Allele origin: germline.
Comment: The SIM1 c.1442C>A variant is predicted to result in the amino acid substitution p.Thr481Lys. This variant has been reported in an individual with early onset obesity (Zegers et al. 2014. PubMed ID: 24097297). This variant is reported in 0.0018% of alleles in individuals of European (Non-Finnish) descent in gnomAD. At this time, the clinical significance of this variant is uncertain due to the absence of conclusive functional and genetic evidence.

GeneDx
Classification: Uncertain significance. Last evaluated: 2021-02-10. Review status: criteria provided, single submitter. Criteria: GeneDx Variant Classification Process June 2021. Collection method: clinical testing. Allele origin: germline. Affected: yes.
Comment: Published functional studies suggest a damaging effect showing a significant decrease in transcriptional activity (Zegers et al., 2014); Not observed at a significant frequency in large population cohorts (Lek et al., 2016); In silico analysis supports that this missense variant has a deleterious effect on protein structure/function; This variant is associated with the following publications: (PMID: 31872862, 25234154, 24097297)

NM_005068.3(SIM1):c.1442C>A (p.Thr481Lys)

Genes: SIM1 (SIM bHLH transcription factor 1; minus strand), SIM1-AS1 (SIM1 antisense RNA 1; plus strand). Cytogenetic location: 6q16.3.
Variant type: single nucleotide variant.
Coding change: c.1442C>A on transcript NM_005068.3 (MANE Select); coding-DNA position 1442, C replaced by A.
Protein change: p.Thr481Lys; replaces threonine 481 with lysine.
Molecular consequence: missense variant.
Genome position (GRCh38, 1-based): chr6:100,393,615, G>T on the plus strand (C>A on the coding strand, the complement: SIM1 is on the minus strand). VCF-style: chr6-100393615-G-T. GRCh37 (hg19) VCF-style: chr6-100841491-G-T.
Other names: c.1442C>A, p.Thr481Lys (NM_001374769.1); short protein forms T481K.
Identifiers: ClinVar variation 1303052 (VCV001303052.3), dbSNP rs745899394, ClinGen allele CA365299084.